The following is an entry in ClinVar:

ClinVar aggregate classification (germline): Conflicting classifications of pathogenicity. Review status: criteria provided, conflicting classifications (1 of 4 stars). 2 submissions from 2 submitters: Uncertain significance (1); Likely benign (1). Last evaluated 2025-07-21.

Conditions:
ZNF469-related disorder. Also called: ZNF469-related condition.

Allele frequency attached by ClinVar (database versions not stated): gnomAD below 0.00001 and 0.00010; TOPMed 0.00001; gnomAD exomes 0.00009 and 0.00021; 1000 Genomes Project 30x 0.00031; 1000 Genomes Project 0.00040; ExAC 0.00060.
gnomAD v4.1: 142 of 1,515,002 alleles (0.0094%); highest among the groups gnomAD compares: South Asian, 0.17%; 1 homozygote.

Submissions (2):

Labcorp Genetics (formerly Invitae), Labcorp
Classification: Likely benign. Last evaluated: 2025-07-21. Review status: criteria provided, single submitter. Criteria: Invitae Variant Classification Sherloc (09022015). Collection method: clinical testing. Allele origin: germline.

PreventionGenetics, part of Exact Sciences
Classification: Uncertain significance for ZNF469-related condition. Last evaluated: 2025-02-18. Review status: criteria provided, single submitter. Criteria: ACMG Guidelines, 2015. Collection method: clinical testing. Allele origin: germline.
Comment: The ZNF469 c.2810A>T variant is predicted to result in the amino acid substitution p.Asp937Val. To our knowledge, this variant has not been reported in the literature. This variant is reported in 0.13% of alleles in individuals of South Asian descent in gnomAD. Although we suspect that this variant may be benign, at this time, the clinical significance of this variant is uncertain due to the absence of conclusive functional and genetic evidence.

NM_001367624.2(ZNF469):c.2810A>T (p.Asp937Val)

Gene: ZNF469 (zinc finger protein 469; plus strand). Cytogenetic location: 16q24.2.
Variant type: single nucleotide variant.
Coding change: c.2810A>T on transcript NM_001367624.2 (MANE Select); coding-DNA position 2810, A replaced by T.
Protein change: p.Asp937Val; replaces aspartic acid 937 with valine.
Molecular consequence: missense variant.
Genome position (GRCh38, 1-based): chr16:88,430,280, A>T. VCF-style: chr16-88430280-A-T. GRCh37 (hg19) VCF-style: chr16-88496688-A-T.
Other names: NM_001127464.2:c.2810A>T; short protein forms D937V.
Identifiers: ClinVar variation 320892 (VCV000320892.9), dbSNP rs550198026, ClinGen allele CA8224804.
Genomic context (GRCh38, chr16:88,430,280, plus strand): 5'-GCTGCCCAGCCCGAGGCAGGCCCAAAACGCGTTCCCTGGGTCTGGCCCCCACCGAGGCGG[A>T]TGCGCCCAGCCAGGGCAGGCAGCAGAGGAGGGGGAAGCAGTTGAAGCTGTTCCGGAAGGA-3'
Protein context (NP_001354553.1, residues 927-947): RSLGLAPTEA[Asp937Val]APSQGRQQRR